The following is an entry in ClinVar:

ClinVar aggregate classification (germline): Uncertain significance (1 of 4 stars; one submission).

Conditions:
FKTN-related disorder. Also called: FKTN-related disorders; FKTN-related condition.

Submission:

PreventionGenetics, part of Exact Sciences
Classification: Uncertain significance for FKTN-related condition. Last evaluated: 2025-07-24. Review status: criteria provided, single submitter. Criteria: ACMG Guidelines, 2015. Collection method: clinical testing. Allele origin: germline.
Comment: The FKTN c.1286G>T variant is predicted to result in the amino acid substitution p.Gly429Val. To our knowledge, this variant has not been reported in the literature or in a large population database (gnomAD), indicating this variant is rare. At this time, the clinical significance of this variant is uncertain due to the absence of conclusive functional and genetic evidence.

NM_001079802.2(FKTN):c.*4852G>T

Gene: FKTN (fukutin; plus strand). Cytogenetic location: 9q31.2.
Variant type: single nucleotide variant.
Coding change: c.*4852G>T on transcript NM_001079802.2 (MANE Select); 4852 bases downstream of the stop codon, G replaced by T.
Molecular consequence: 3 prime UTR variant. On other transcripts: missense variant (1), non-coding transcript variant (2).
Genome position (GRCh38, 1-based): chr9:105,640,116, G>T. VCF-style: chr9-105640116-G-T. GRCh37 (hg19) VCF-style: chr9-108402397-G-T.
Other names: c.1286G>T, p.Gly429Val (NM_001198963.2); c.*4852G>T (NM_001351496.2, NM_001351497.2, NM_001351499.2 and 4 more transcripts); c.*5030G>T (NM_001351498.2); short protein forms G429V.
Identifiers: ClinVar variation 5000369 (VCV005000369.1).